The following is an entry in ClinVar:

ClinVar aggregate classification (germline): Uncertain significance (1 of 4 stars; one submission).

Submission:

Ambry Genetics
Classification: Uncertain significance. Last evaluated: 2023-09-05. Review status: criteria provided, single submitter. Criteria: Ambry Variant Classification Scheme 2023. Collection method: clinical testing. Allele origin: germline.
Comment: The p.H124D variant (also known as c.370C>G), located in coding exon 5 of the FAM175A gene, results from a C to G substitution at nucleotide position 370. The histidine at codon 124 is replaced by aspartic acid, an amino acid with similar properties. This amino acid position is conserved. In addition, this alteration is predicted to be tolerated by in silico analysis. Since supporting evidence is limited at this time, the clinical significance of this alteration remains unclear.

NM_139076.3(ABRAXAS1):c.370C>G (p.His124Asp)

Gene: ABRAXAS1 (abraxas 1, BRCA1 A complex subunit; minus strand). Cytogenetic location: 4q21.23.
Variant type: single nucleotide variant.
Coding change: c.370C>G on transcript NM_139076.3 (MANE Select); coding-DNA position 370, C replaced by G.
Protein change: p.His124Asp; replaces histidine 124 with aspartic acid.
Molecular consequence: missense variant.
Genome position (GRCh38, 1-based): chr4:83,470,309, G>C on the plus strand (C>G on the coding strand, the complement: ABRAXAS1 is on the minus strand). VCF-style: chr4-83470309-G-C. GRCh37 (hg19) VCF-style: chr4-84391462-G-C.
Other names: c.43C>G, p.His15Asp (NM_001345962.2); short protein forms H15D, H124D.
Identifiers: ClinVar variation 2625947 (VCV002625947.2), dbSNP rs2529438167, ClinGen allele CA357259907.